The following is an entry in ClinVar:

NM_000152.5(GAA):c.40_47del (p.Ala14fs)

Gene: GAA (alpha glucosidase; plus strand). Cytogenetic location: 17q25.3.
Variant type: Deletion.
Coding change: c.40_47del on transcript NM_000152.5 (MANE Select); coding-DNA positions 40 to 47, 8 bases deleted (GCCGTCTG; older notation c.40_47delGCCGTCTG).
Protein change: p.Ala14fs; shifts the reading frame from alanine 14.
Molecular consequence: frameshift variant.
Genome position (GRCh38, 1-based): chr17:80,104,626-80,104,633, GCCGTCTG deleted; deleting any 8 consecutive bases within chr17:80,104,623-80,104,633 gives the same sequence; the c. name uses the placement nearest the transcript's 3' end. VCF-style (leftmost placement, unchanged base first): chr17-80104622-CCTGGCCGT-C. GRCh37 (hg19) VCF-style: chr17-78078421-CCTGGCCGT-C.
Other names: NM_001079804.3:c.40_47del; c.40_47del, p.Ala14fs (NM_001079803.3, NM_001079804.3, NM_001406741.1 and 1 more transcripts); short protein forms A14fs.
Identifiers: ClinVar variation 2446461 (VCV002446461.2), dbSNP rs2510344258, ClinGen allele CA913184761.

ClinVar aggregate classification (germline): Pathogenic. Review status: reviewed by expert panel (3 of 4 stars). 2 submissions from 2 submitters: Pathogenic (1). 1 of the submissions does not count toward it. Last evaluated 2023-02-07.

Conditions:
Glycogen storage disease, type II (IOPD). Also called: POMPE DISEASE, INFANTILE-ONSET; GLYCOGEN STORAGE DISEASE II, INFANTILE-ONSET; ACID ALPHA-GLUCOSIDASE DEFICIENCY, INFANTILE-ONSET; GAA DEFICIENCY, INFANTILE-ONSET; ACID MALTASE DEFICIENCY, INFANTILE-ONSET; CARDIOMEGALIA GLYCOGENICA DIFFUSA. Identifiers: Orphanet 365, MedGen C0017921, MONDO:0009290, OMIM 232300.

Submissions (2):

ClinGen Lysosomal Storage Disorder Variant Curation Expert Panel
Classification: Pathogenic for Glycogen storage disease, type II. Last evaluated: 2023-02-07. Review status: reviewed by expert panel. Criteria: clingen_lsd_acmg_specifications_v2-1. Collection method: curation. Allele origin: germline. Inheritance: Autosomal recessive inheritance.
Comment: The NM_000152.5:c.40_47del (p.Ala14ArgfsTer18) variant in GAA is a frameshift variant predicted to cause a premature stop codon in biologically-relevant-exon 2/20, leading to nonsense mediated decay in a gene in which loss-of-function is an established disease mechanism (PVS1). One patient with infantile onset Pompe disease has been reported in multiple publications. Features include increased left ventricular mass, GAA activity <1% normal in skin fibroblasts, and improvement on enzyme replacement therapy (PP4_Moderate) (PMIDs: 17151339, 22658377, 29422078, 31193175). The in trans data will be used in the assessment of p.Asp489Asn and is not included here to avoid circular logic (PMID: 29422078). The variant in absent in gnomAD v2.1.1. (PM2_Supporting). In summary, this variant meets the criteria to be classified as pathogenic for Pompe disease. GAA-specific ACMG/AMP criteria applied, as specified by the ClinGen Lysosomal Storage Disorders Variant Curation Expert Panel (specifications version 2.0): PVS1, PP4_Moderate, PM2_Supporting. (Classification approved by the ClinGen LSD VCEP, February 7, 2023).

Genomenon, Inc
Classification: Pathogenic for Glycogen storage disease, type II. Last evaluated: 2026-07-01. Review status: criteria provided, single submitter. Criteria: Genomenon Sequence Variant Interpretation Standards - Updated. Collection method: curation. Allele origin: germline. Affected: yes. Not counted in ClinVar's aggregate classification.
Comment: GAA p.Ala14ArgfsTer18 (c.40_47del) is a frameshift variant that is predicted to introduce a premature termination codon and result in a truncated or absent protein product. This variant has been observed in at least one proband with a GAA-related disorder (PMID:31193175;29422078;22658377). It is absent or not present at a significant frequency in gnomAD. In conclusion, we classify GAA p.Ala14ArgfsTer18 (c.40_47del) as a pathogenic variant.

Literature cited by the submitters: PubMed 31193175 (cited by Genomenon, Inc); PubMed 29422078 (cited by Genomenon, Inc); PubMed 22658377 (cited by Genomenon, Inc).